The following is an entry in ClinVar:

NM_001009944.3(PKD1):c.8493dup (p.Asn2832fs)

Gene: PKD1 (polycystin 1, transient receptor potential channel interacting; minus strand). Cytogenetic location: 16p13.3.
Variant type: Duplication.
Coding change: c.8493dup on transcript NM_001009944.3 (MANE Select); coding-DNA position 8493, one base duplicated (C; older notation c.8493dupC).
Protein change: p.Asn2832fs; shifts the reading frame from asparagine 2832.
Molecular consequence: frameshift variant.
Genome position (GRCh38, 1-based): chr16:2,103,564, G duplicated on the plus strand (C on the coding strand, the reverse complement: PKD1 is on the minus strand); the first of 2 consecutive G bases (chr16:2,103,564-2,103,565); duplicating either gives the same sequence. VCF-style (leftmost placement, unchanged base first): chr16-2103563-T-TG. GRCh37 (hg19) VCF-style: chr16-2153564-T-TG.
Other names: c.8493dup, p.Asn2832fs (NM_000296.4); short protein forms N2832fs.
Identifiers: ClinVar variation 3061918 (VCV003061918.1), dbSNP rs2544744105, ClinGen allele CA2740096846.

ClinVar aggregate classification (germline): Pathogenic (1 of 4 stars; one submission).

Conditions:
Polycystic kidney disease, adult type (PKD1). Also called: Polycystic Kidney, Autosomal Dominant; POLYCYSTIC KIDNEY DISEASE 1 WITH OR WITHOUT POLYCYSTIC LIVER DISEASE; Polycystic Kidney Disease 1, Autosomal Dominant; Polycystic kidney disease 1; Polycystic kidney disease 1, severe; POLYCYSTIC KIDNEY DISEASE, ADULT, TYPE I. Identifiers: MedGen C3149841, MONDO:0008263, OMIM 173900.

Submission:

MVZ Medizinische Genetik Mainz
Classification: Pathogenic for Polycystic kidney disease, adult type. Last evaluated: 2024-02-07. Review status: criteria provided, single submitter. Criteria: UK Practice Guidelines For Variant Classification V4 01 2020. Collection method: clinical testing. Allele origin: germline. Inheritance: Autosomal dominant inheritance. Affected: yes. Observed: 1 variant allele.
Comment: PVS1,PM2_SUP,PP4